The following is an entry in ClinVar:

ClinVar aggregate classification (germline): Uncertain significance (1 of 4 stars; one submission).

Conditions:
Encephalopathy, acute, infection-induced (herpes-specific), susceptibility to, 6. Also called: Herpes simplex encephalitis, susceptibility to, 4. Identifiers: Orphanet 1930, MedGen C3553869, MONDO:0013921, OMIM 614850.

Allele frequency attached by ClinVar (database versions not stated): gnomAD 0.00001; ESP Exome Variant Server 0.00008.
gnomAD v4.1: 2 of 1,614,044 alleles (0.00012%); highest among the groups gnomAD compares: African/African-American, 0.0027%; no homozygotes.

Submission:

Labcorp Genetics (formerly Invitae), Labcorp
Classification: Uncertain significance for Encephalopathy, acute, infection-induced (herpes-specific), susceptibility to, 6. Last evaluated: 2022-06-08. Review status: criteria provided, single submitter. Criteria: Invitae Variant Classification Sherloc (09022015). Collection method: clinical testing. Allele origin: germline.
Comment: In summary, the available evidence is currently insufficient to determine the role of this variant in disease. Therefore, it has been classified as a Variant of Uncertain Significance. Experimental studies and prediction algorithms are not available or were not evaluated, and the functional significance of this variant is currently unknown. This variant has not been reported in the literature in individuals affected with TICAM1-related conditions. This variant is present in population databases (rs143873813, gnomAD 0.02%). This sequence change creates a premature translational stop signal (p.Glu429*) in the TICAM1 gene. While this is not anticipated to result in nonsense mediated decay, it is expected to disrupt the last 284 amino acid(s) of the TICAM1 protein.

NM_182919.4(TICAM1):c.1285G>T (p.Glu429Ter)

Gene: TICAM1 (TIR domain containing adaptor molecule 1; minus strand). Cytogenetic location: 19p13.3.
Variant type: single nucleotide variant.
Coding change: c.1285G>T on transcript NM_182919.4 (MANE Select); coding-DNA position 1285, G replaced by T.
Protein change: p.Glu429Ter; replaces glutamic acid 429 with a stop codon.
Molecular consequence: nonsense.
Genome position (GRCh38, 1-based): chr19:4,817,093, C>A on the plus strand (G>T on the coding strand, the complement: TICAM1 is on the minus strand). VCF-style: chr19-4817093-C-A. GRCh37 (hg19) VCF-style: chr19-4817105-C-A.
Other names: c.1243G>T, p.Glu415Ter (NM_001385678.1); c.1150G>T, p.Glu384Ter (NM_001385679.1); c.643G>T, p.Glu215Ter (NM_001385680.1); short protein forms E215*, E429*, E384*, E415*.
Identifiers: ClinVar variation 2064862 (VCV002064862.4), dbSNP rs143873813, ClinGen allele CA304547573.